The following is an entry in ClinVar:

ClinVar aggregate classification (germline): Uncertain significance (1 of 4 stars; one submission).

Allele frequency attached by ClinVar (database versions not stated): gnomAD exomes 0.00001; gnomAD 0.00003.
gnomAD v4.1: 21 of 1,613,302 alleles (0.0013%); highest among the groups gnomAD compares: African/African-American, 0.0067%; no homozygotes.

Submission:

Labcorp Genetics (formerly Invitae), Labcorp
Classification: Uncertain significance. Last evaluated: 2022-02-19. Review status: criteria provided, single submitter. Criteria: Invitae Variant Classification Sherloc (09022015). Collection method: clinical testing. Allele origin: germline.
Comment: This sequence change replaces arginine, which is basic and polar, with cysteine, which is neutral and slightly polar, at codon 605 of the LPIN1 protein (p.Arg605Cys). This variant is present in population databases (no rsID available, gnomAD 0.004%). This variant has not been reported in the literature in individuals affected with LPIN1-related conditions. Algorithms developed to predict the effect of missense changes on protein structure and function (SIFT, PolyPhen-2, Align-GVGD) all suggest that this variant is likely to be tolerated. In summary, the available evidence is currently insufficient to determine the role of this variant in disease. Therefore, it has been classified as a Variant of Uncertain Significance.

NM_001349206.2(LPIN1):c.1921C>T (p.Arg641Cys)

Gene: LPIN1 (lipin 1; plus strand). Cytogenetic location: 2p25.1.
Variant type: single nucleotide variant.
Coding change: c.1921C>T on transcript NM_001349206.2 (MANE Select); coding-DNA position 1921, C replaced by T.
Protein change: p.Arg641Cys; replaces arginine 641 with cysteine.
Molecular consequence: missense variant. On other transcripts: non-coding transcript variant (1).
Genome position (GRCh38, 1-based): chr2:11,802,941, C>T. VCF-style: chr2-11802941-C-T. GRCh37 (hg19) VCF-style: chr2-11943067-C-T.
Other names: c.1831C>T, p.Arg611Cys (NM_001261427.3); c.2068C>T, p.Arg690Cys (NM_001261428.3); c.1813C>T, p.Arg605Cys (NM_001349199.2, NM_145693.4); c.1891C>T, p.Arg631Cys (NM_001349200.2, NM_001349201.2); c.1918C>T, p.Arg640Cys (NM_001349202.2, NM_001349203.2); c.1921C>T, p.Arg641Cys (NM_001349204.2, NM_001349205.2); c.2011C>T, p.Arg671Cys (NM_001349207.2); c.1960C>T, p.Arg654Cys (NM_001349208.2); short protein forms R641C, R605C, R671C, R640C, R690C, R611C, R631C, R654C.
Identifiers: ClinVar variation 2180593 (VCV002180593.1), dbSNP rs1230985282, ClinGen allele CA345853749.